The following is an entry in ClinVar:

NM_014714.4(IFT140):c.3939C>A (p.Cys1313Ter)

Gene: IFT140 (intraflagellar transport 140; minus strand). Cytogenetic location: 16p13.3.
Variant type: single nucleotide variant.
Coding change: c.3939C>A on transcript NM_014714.4 (MANE Select); coding-DNA position 3939, C replaced by A.
Protein change: p.Cys1313Ter; replaces cysteine 1313 with a stop codon.
Molecular consequence: nonsense.
Genome position (GRCh38, 1-based): chr16:1,519,982, G>T on the plus strand (C>A on the coding strand, the complement: IFT140 is on the minus strand). VCF-style: chr16-1519982-G-T. GRCh37 (hg19) VCF-style: chr16-1569983-G-T.
Other names: short protein forms C1313*.
Identifiers: ClinVar variation 489108 (VCV000489108.15), dbSNP rs1002670900, ClinGen allele CA276675316.

ClinVar aggregate classification (germline): Pathogenic/Likely pathogenic. Review status: criteria provided, multiple submitters, no conflicts (2 of 4 stars). 5 submissions from 5 submitters: Pathogenic (2); Likely pathogenic (3). Last evaluated 2025-11-01.

Conditions:
IFT140-related disorder. Also called: IFT140-related condition.
IFT140-related disorders.
Retinitis pigmentosa 80 (RP80). Identifiers: MedGen C4540439, MONDO:0054708, OMIM 617781.
Saldino-Mainzer syndrome (SRTD9). Also called: CONORENAL SYNDROME; SHORT-RIB THORACIC DYSPLASIA 9 WITHOUT POLYDACTYLY; Renal dysplasia, retinal pigmentary dystrophy, cerebellar ataxia and skeletal dysplasia; short-rib thoracic dysplasia 9 with or without polydactyly. Identifiers: Orphanet 140969, MedGen C1849437, MONDO:0009964, OMIM 266920.

Allele frequency attached by ClinVar (database versions not stated): gnomAD exomes below 0.00001; gnomAD 0.00006; TOPMed 0.00006.
gnomAD v4.1: 9 of 1,606,544 alleles (0.00056%); highest among the groups gnomAD compares: African/African-American, 0.0013%; no homozygotes.

Submissions (5):

Labcorp Genetics (formerly Invitae), Labcorp
Classification: Pathogenic for Saldino-Mainzer syndrome. Last evaluated: 2025-11-01. Review status: criteria provided, single submitter. Criteria: Invitae Variant Classification Sherloc (09022015). Collection method: clinical testing. Allele origin: germline.
Comment: This sequence change creates a premature translational stop signal (p.Cys1313*) in the IFT140 gene. It is expected to result in an absent or disrupted protein product. Loss-of-function variants in IFT140 are known to be pathogenic (PMID: 22503633, 23418020, 24009529, 26216056). This variant is present in population databases (no rsID available, gnomAD 0.002%). This variant has not been reported in the literature in individuals affected with IFT140-related conditions. ClinVar contains an entry for this variant (Variation ID: 489108). For these reasons, this variant has been classified as Pathogenic.

PreventionGenetics, part of Exact Sciences
Classification: Likely pathogenic for IFT140-related condition. Last evaluated: 2025-08-06. Review status: criteria provided, single submitter. Criteria: ACMG Guidelines, 2015. Collection method: clinical testing. Allele origin: germline.
Comment: The IFT140 c.3939C>A variant is predicted to result in premature protein termination (p.Cys1313*). This variant has been reported in the heterozygous state in an individual with polycystic kidney disease (Clark et al. 2024. PubMed ID: 39136524). This variant is present in 0.0024% of alleles in individuals of European (Non-Finnish) descent in gnomAD. Nonsense variants in IFT140 are an established mechanism of disease for both autosomal recessive retinitis pigmentosa and autosomal kidney disease with incomplete penetrance. This variant is interpreted as likely pathogenic.

GeneDx
Classification: Pathogenic. Last evaluated: 2025-01-13. Review status: criteria provided, single submitter. Criteria: GeneDx Variant Classification Process June 2021. Collection method: clinical testing. Allele origin: germline. Affected: yes.
Comment: Nonsense variant predicted to result in protein truncation or nonsense mediated decay in a gene for which loss of function is a known mechanism of disease; Not observed at significant frequency in large population cohorts (gnomAD); Identified in unrelated individuals with kidney disease and in the published literature (PMID: 39136524); This variant is associated with the following publications: (PMID: 39136524)

Fulgent Genetics
Classification: Likely pathogenic for Saldino-Mainzer syndrome; Retinitis pigmentosa 80. Last evaluated: 2024-06-17. Review status: criteria provided, single submitter. Criteria: ACMG Guidelines, 2015. Collection method: clinical testing. Allele origin: germline.

Blueprint Genetics
Classification: Likely pathogenic for IFT140-related disorders. Last evaluated: 2021-10-07. Review status: criteria provided, single submitter. Criteria: ACMG Guidelines, 2015. Collection method: clinical testing. Allele origin: germline. Affected: yes. Observed: 3 variant alleles.

Literature cited by the submitters: PubMed 22503633 (cited by Labcorp Genetics (formerly Invitae), Labcorp); PubMed 23418020 (cited by Labcorp Genetics (formerly Invitae), Labcorp); PubMed 24009529 (cited by Labcorp Genetics (formerly Invitae), Labcorp); PubMed 26216056 (cited by Labcorp Genetics (formerly Invitae), Labcorp).